The following is an entry in ClinVar:

ClinVar aggregate classification (germline): Uncertain significance (1 of 4 stars; one submission).

Submission:

Mayo Clinic Laboratories, Mayo Clinic
Classification: Uncertain significance. Last evaluated: 2024-09-19. Review status: criteria provided, single submitter. Criteria: ACMG Guidelines, 2015. Collection method: clinical testing. Allele origin: germline. Observed: 1 variant allele.
Comment: BP4, PM2

NM_001201550.3(CFHR4):c.51T>A (p.Asn17Lys)

Gene: CFHR4 (complement factor H related 4; plus strand). Cytogenetic location: 1q31.3.
Variant type: single nucleotide variant.
Coding change: c.51T>A on transcript NM_001201550.3 (MANE Select); coding-DNA position 51, T replaced by A.
Protein change: p.Asn17Lys; replaces asparagine 17 with lysine.
Molecular consequence: missense variant.
Genome position (GRCh38, 1-based): chr1:196,888,201, T>A. VCF-style: chr1-196888201-T-A. GRCh37 (hg19) VCF-style: chr1-196857331-T-A.
Other names: p.Asn17Lys; c.51T>A, p.Asn17Lys (NM_001201551.2, NM_006684.5); short protein forms N17K.
Identifiers: ClinVar variation 3380373 (VCV003380373.1).
Genomic context (GRCh38, chr1:196,888,201, plus strand): 5'-AATATCTAACATGTTGTTACTAATCAATGTCATTCTGACCTTGTGGGTTTCCTGTGCTAA[T>A]GGACAAGGTAAGTTGAAAGAGATCTAAACACTCAGCTTCCCTCTTAAATGTAACTTCGTG-3'
Protein context (NP_001188479.1, residues 7-27): VILTLWVSCA[Asn17Lys]GQEVKPCDFP